The following is an entry in ClinVar:

ClinVar aggregate classification (germline): Uncertain significance (1 of 4 stars; one submission).

Allele frequency attached by ClinVar (database versions not stated): ExAC 0.00001; gnomAD 0.00001; gnomAD exomes 0.00001; TOPMed 0.00002.
gnomAD v4.1: 12 of 1,613,458 alleles (0.00074%); highest among the groups gnomAD compares: African/African-American, 0.0027%; no homozygotes.

Submission:

Ambry Genetics
Classification: Uncertain significance. Last evaluated: 2024-04-26. Review status: criteria provided, single submitter. Criteria: Ambry Variant Classification Scheme 2023. Collection method: clinical testing. Allele origin: germline.
Comment: The p.W149S variant (also known as c.446G>C), located in coding exon 2 of the GALNT12 gene, results from a G to C substitution at nucleotide position 446. The tryptophan at codon 149 is replaced by serine, an amino acid with highly dissimilar properties. This amino acid position is highly conserved in available vertebrate species. In addition, this alteration is predicted to be deleterious by in silico analysis. Since supporting evidence is limited at this time, the clinical significance of this alteration remains unclear.

NM_024642.5(GALNT12):c.446G>C (p.Trp149Ser)

Gene: GALNT12 (polypeptide N-acetylgalactosaminyltransferase 12; plus strand). Cytogenetic location: 9q22.33.
Variant type: single nucleotide variant.
Coding change: c.446G>C on transcript NM_024642.5 (MANE Select); coding-DNA position 446, G replaced by C.
Protein change: p.Trp149Ser; replaces tryptophan 149 with serine.
Molecular consequence: missense variant.
Genome position (GRCh38, 1-based): chr9:98,823,330, G>C. VCF-style: chr9-98823330-G-C. GRCh37 (hg19) VCF-style: chr9-101585612-G-C.
Other names: short protein forms W149S.
Identifiers: ClinVar variation 824914 (VCV000824914.5), dbSNP rs755075072, ClinGen allele CA5153942.
Genomic context (GRCh38, chr9:98,823,330, plus strand): 5'-AATATGATTATGATAATTTGCCCAGGACATCTGTTATCATAGCATTTTATAATGAAGCCT[G>C]GTCAACTCTCCTTCGGACAGTTTACAGTGTCCTTGAGACATCCCCGGATATCCTGCTAGA-3'
Protein context (NP_078918.3, residues 139-159): SVIIAFYNEA[Trp149Ser]STLLRTVYSV